The following is an entry in ClinVar:

ClinVar aggregate classification (germline): Uncertain significance (1 of 4 stars; one submission).

Allele frequency attached by ClinVar (database versions not stated): ExAC 0.00001; gnomAD 0.00001; TOPMed 0.00001; ESP Exome Variant Server 0.00008.
gnomAD v4.1: 2 of 1,612,522 alleles (0.00012%); highest among the groups gnomAD compares: Non-Finnish European, 0.00017%; no homozygotes.

Submission:

Labcorp Genetics (formerly Invitae), Labcorp
Classification: Uncertain significance. Last evaluated: 2022-08-22. Review status: criteria provided, single submitter. Criteria: Invitae Variant Classification Sherloc (09022015). Collection method: clinical testing. Allele origin: germline.
Comment: This sequence change replaces isoleucine, which is neutral and non-polar, with valine, which is neutral and non-polar, at codon 2982 of the CDH23 protein (p.Ile2982Val). This variant is present in population databases (rs374012269, gnomAD 0.0009%). This variant has not been reported in the literature in individuals affected with CDH23-related conditions. Algorithms developed to predict the effect of missense changes on protein structure and function are either unavailable or do not agree on the potential impact of this missense change (SIFT: "Deleterious"; PolyPhen-2: "Not Available"; Align-GVGD: "Class C0"). In summary, the available evidence is currently insufficient to determine the role of this variant in disease. Therefore, it has been classified as a Variant of Uncertain Significance.

NM_022124.6(CDH23):c.8944A>G (p.Ile2982Val)

Gene: CDH23 (cadherin related 23; plus strand). Cytogenetic location: 10q22.1.
Variant type: single nucleotide variant.
Coding change: c.8944A>G on transcript NM_022124.6 (MANE Select); coding-DNA position 8944, A replaced by G.
Protein change: p.Ile2982Val; replaces isoleucine 2982 with valine.
Molecular consequence: missense variant.
Genome position (GRCh38, 1-based): chr10:71,810,041, A>G. VCF-style: chr10-71810041-A-G. GRCh37 (hg19) VCF-style: chr10-73569798-A-G.
Other names: c.2224A>G, p.Ile742Val (NM_001171933.1, NM_001171934.1); short protein forms I2982V, I742V.
Identifiers: ClinVar variation 1953219 (VCV001953219.2), dbSNP rs374012269, ClinGen allele CA5546796.
Genomic context (GRCh38, chr10:71,810,041, plus strand): 5'-AACGAGATCCCCGACCGTGTGCGCGGCTTCGAGGAGGAGTTCATCCACCTGCTCTCCAAC[A>G]TCACTGGGGCCATTGTCAATACTGACAATGTGCAGGTGCCTCATGGGCCCACCCGGGGCC-3'
Protein context (NP_071407.4, residues 2972-2992): EEEFIHLLSN[Ile2982Val]TGAIVNTDNV